The following is an entry in ClinVar:

ClinVar aggregate classification (germline): not provided (0 of 4 stars; one submission).

Conditions:
FG syndrome 1 (OKS). Also called: OPITZ-KAVEGGIA SYNDROME; KELLER SYNDROME; MENTAL RETARDATION, LARGE HEAD, IMPERFORATE ANUS, CONGENITAL HYPOTONIA, AND PARTIAL AGENESIS OF CORPUS CALLOSUM; FG Syndrome Type 1 (FGS1). Identifiers: Orphanet 93932, MedGen C5399762, MONDO:0010590, OMIM 305450.

Submission:

GeneReviews
No classification provided. Condition: FG syndrome. Review status: no classification provided. Collection method: literature only. Allele origin: germline.
Comment: Reported in male sibs with nonspecific intellectual disability and their unaffected mother

Literature cited by the submitters: PubMed 31098807; PubMed 20301719.

NM_005120.3(MED12):c.6241CAG[3] (p.Gln2084_Gln2086del)

Gene: MED12 (mediator complex subunit 12; plus strand). Cytogenetic location: Xq13.1.
Variant type: Microsatellite.
Coding change: c.6241CAG[3] on transcript NM_005120.3 (MANE Select); three copies in a row of the 3-base unit CAG starting at c.6241; the reference has six copies in a row; three copies, 9 bases deleted.
Protein change: p.Gln2084_Gln2086del.
Molecular consequence: inframe deletion.
Genome position (GRCh38, 1-based): chrX:71,140,840-71,140,848, CAGCAGCAG deleted; deleting any 9 consecutive bases within chrX:71,140,830-71,140,848 gives the same sequence; the position shown is the placement nearest the transcript's 3' end. VCF-style (leftmost placement, unchanged base first): chrX-71140829-GGCAGCAGCA-G. GRCh37 (hg19) VCF-style: chrX-70360679-GGCAGCAGCA-G.
Other names: c.6250_6258delCAGCAGCAG (NM_005120.3).
Identifiers: ClinVar variation 1210254 (VCV001210254.2), dbSNP rs786200971, ClinGen allele CA2580612349.